The following is an entry in ClinVar:

NM_007294.4(BRCA1):c.5322C>G (p.Asn1774Lys)

Gene: BRCA1 (BRCA1 DNA repair associated; minus strand). Cytogenetic location: 17q21.31.
Variant type: single nucleotide variant.
Coding change: c.5322C>G on transcript NM_007294.4 (MANE Select); coding-DNA position 5322, C replaced by G.
Protein change: p.Asn1774Lys; replaces asparagine 1774 with lysine.
Molecular consequence: missense variant. On other transcripts: non-coding transcript variant (1).
Genome position (GRCh38, 1-based): chr17:43,051,073, G>C on the plus strand (C>G on the coding strand, the complement: BRCA1 is on the minus strand). VCF-style: chr17-43051073-G-C. GRCh37 (hg19) VCF-style: chr17-41203090-G-C.
Other names: c.5109C>G, p.Asn1703Lys (NM_001407571.1, NM_001407907.1, NM_001407908.1 and 12 more transcripts); c.5388C>G, p.Asn1796Lys (NM_001407581.1, NM_001407582.1); c.5385C>G, p.Asn1795Lys (NM_001407583.1, NM_001407585.1, NM_001407587.1 and 1 more transcripts); c.5382C>G, p.Asn1794Lys (NM_001407590.1, NM_001407591.1); c.5322C>G, p.Asn1774Lys (NM_001407593.1, NM_001407594.1, NM_001407596.1 and 6 more transcripts); c.5319C>G, p.Asn1773Lys (NM_001407613.1, NM_001407614.1, NM_001407615.1 and 17 more transcripts); c.5316C>G, p.Asn1772Lys (NM_001407632.1, NM_001407633.1, NM_001407634.1 and 14 more transcripts); c.5244C>G, p.Asn1748Lys (NM_001407654.1, NM_001407655.1, NM_001407652.1 and 1 more transcripts); and 72 more; short protein forms N1795K, N1727K, N1774K, N670K, N1477K, N1646K, N1663K, N1686K.
Identifiers: ClinVar variation 868303 (VCV000868303.3), dbSNP rs2051198731, ClinGen allele CA10590907.
Genomic context (GRCh38, chr17:43,051,073, plus strand): 5'-TGTAAGACAAAGGCTGGTGCTGGAACTCTGGGGTTCTCCCAGGCTCTTACCTGTGGGCAT[G>C]TTGGTGAAGGGCCCATAGCAACAGATTTCTAGCCCCCTGAAGATCTGGAAGAAGAGAGGA-3'
Protein context (NP_009225.1, residues 1764-1784): LEICCYGPFT[Asn1774Lys]MPTDQLEWMV

Conditions:
Breast-ovarian cancer, familial, susceptibility to, 1 (BROVCA1). Also called: BRCA1 Hereditary Breast and Ovarian Cancer; OVARIAN CANCER, SUSCEPTIBILITY TO. Identifiers: Orphanet 145, MedGen C2676676, MONDO:0011450, OMIM 604370. Disease mechanism: loss of function.

Submission:

Brotman Baty Institute, University of Washington
No classification provided (evidence only). Condition: Breast-ovarian cancer, familial 1. Review status: no classification provided. Collection method: in vitro. Allele origin: not applicable. Functional consequence: functionally_normal.
ClinVar note: "not provided" was previously submitted as the classification for the variant. However, the classification appeared to be based only on an observation of functional data so it was converted to no classification on 2025-07-30.